The following is an entry in ClinVar:

NM_152296.5(ATP1A3):c.1108A>G (p.Thr370Ala)

Gene: ATP1A3 (ATPase Na+/K+ transporting subunit alpha 3; minus strand). Cytogenetic location: 19q13.2.
Variant type: single nucleotide variant.
Coding change: c.1108A>G on transcript NM_152296.5 (MANE Select); coding-DNA position 1108, A replaced by G.
Protein change: p.Thr370Ala; replaces threonine 370 with alanine.
Molecular consequence: missense variant.
Genome position (GRCh38, 1-based): chr19:41,981,992, T>C on the plus strand (A>G on the coding strand, the complement: ATP1A3 is on the minus strand). VCF-style: chr19-41981992-T-C. GRCh37 (hg19) VCF-style: chr19-42486144-T-C.
Other names: c.1141A>G, p.Thr381Ala (NM_001256213.2); c.1147A>G, p.Thr383Ala (NM_001256214.2); short protein forms T381A, T383A, T370A.
Identifiers: ClinVar variation 1476161 (VCV001476161.6), dbSNP rs2145972442, ClinGen allele CA406051109.

ClinVar aggregate classification (germline): Likely pathogenic (1 of 4 stars; one submission).

Conditions:
Dystonia 12 (DYT12). Also called: DYT-ATP1A3; Rapid-Onset Dystonia-Parkinsonism (RDP). Identifiers: Orphanet 71517, MedGen C1868681, MONDO:0007496, OMIM 128235.

Submission:

Labcorp Genetics (formerly Invitae), Labcorp
Classification: Likely pathogenic for Dystonia 12. Last evaluated: 2021-08-02. Review status: criteria provided, single submitter. Criteria: Invitae Variant Classification Sherloc (09022015). Collection method: clinical testing. Allele origin: germline.
Comment: This variant disrupts the p.Thr370 amino acid residue in ATP1A3. Other variant(s) that disrupt this residue have been determined to be pathogenic (PMID: 24523486, 24842602). This suggests that this residue is clinically significant, and that variants that disrupt this residue are likely to be disease-causing. In summary, the currently available evidence indicates that the variant is pathogenic, but additional data are needed to prove that conclusively. Therefore, this variant has been classified as Likely Pathogenic. This sequence change replaces threonine with alanine at codon 370 of the ATP1A3 protein (p.Thr370Ala). The threonine residue is highly conserved and there is a small physicochemical difference between threonine and alanine. This variant is not present in population databases (ExAC no frequency). This missense change has been observed in individual(s) with clinical features of ATP1A3-related conditions (PMID: 31361359; Invitae). Advanced modeling of protein sequence and biophysical properties (such as structural, functional, and spatial information, amino acid conservation, physicochemical variation, residue mobility, and thermodynamic stability) performed at Invitae indicates that this missense variant is expected to disrupt ATP1A3 protein function.

Literature cited by the submitters: PubMed 24523486; PubMed 24842602; PubMed 31361359.